The following is an entry in ClinVar:

ClinVar aggregate classification (germline): Uncertain significance (1 of 4 stars; one submission).

Conditions:
Diffuse cerebral and cerebellar atrophy - intractable seizures - progressive microcephaly syndrome. Also called: Microcephaly, progressive, with seizures and cerebral and cerebellar atrophy. Identifiers: Orphanet 404437, MedGen C4014239, MONDO:0014335, OMIM 615760.

Submission:

Labcorp Genetics (formerly Invitae), Labcorp
Classification: Uncertain significance for Diffuse cerebral and cerebellar atrophy - intractable seizures - progressive microcephaly syndrome. Last evaluated: 2022-02-27. Review status: criteria provided, single submitter. Criteria: Invitae Variant Classification Sherloc (09022015). Collection method: clinical testing. Allele origin: germline.
Comment: In summary, the available evidence is currently insufficient to determine the role of this variant in disease. Therefore, it has been classified as a Variant of Uncertain Significance. Algorithms developed to predict the effect of missense changes on protein structure and function (SIFT, PolyPhen-2, Align-GVGD) all suggest that this variant is likely to be tolerated. This variant has not been reported in the literature in individuals affected with QARS-related conditions. This variant is not present in population databases (gnomAD no frequency). This sequence change replaces phenylalanine, which is neutral and non-polar, with leucine, which is neutral and non-polar, at codon 582 of the QARS protein (p.Phe582Leu).

NM_005051.3(QARS1):c.1746T>A (p.Phe582Leu)

Gene: QARS1 (glutaminyl-tRNA synthetase 1; minus strand). Cytogenetic location: 3p21.31.
Variant type: single nucleotide variant.
Coding change: c.1746T>A on transcript NM_005051.3 (MANE Select); coding-DNA position 1746, T replaced by A.
Protein change: p.Phe582Leu; replaces phenylalanine 582 with leucine.
Molecular consequence: missense variant. On other transcripts: non-coding transcript variant (1).
Genome position (GRCh38, 1-based): chr3:49,099,122, A>T on the plus strand (T>A on the coding strand, the complement: QARS1 is on the minus strand). VCF-style: chr3-49099122-A-T. GRCh37 (hg19) VCF-style: chr3-49136555-A-T.
Other names: c.1713T>A, p.Phe571Leu (NM_001272073.2); short protein forms F571L, F582L.
Identifiers: ClinVar variation 1502811 (VCV001502811.6), dbSNP rs762223639, ClinGen allele CA352701895.